The following is an entry in ClinVar:

NM_020435.4(GJC2):c.1102G>A (p.Asp368Asn)

Gene: GJC2 (gap junction protein gamma 2; plus strand). Cytogenetic location: 1q42.13.
Variant type: single nucleotide variant.
Coding change: c.1102G>A on transcript NM_020435.4 (MANE Select); coding-DNA position 1102, G replaced by A.
Protein change: p.Asp368Asn; replaces aspartic acid 368 with asparagine.
Molecular consequence: missense variant.
Genome position (GRCh38, 1-based): chr1:228,158,860, G>A. VCF-style: chr1-228158860-G-A. GRCh37 (hg19) VCF-style: chr1-228346561-G-A.
Other names: short protein forms D368N.
Identifiers: ClinVar variation 527981 (VCV000527981.9), dbSNP rs779067650, ClinGen allele CA38728327.

ClinVar aggregate classification (germline): Uncertain significance. Review status: criteria provided, multiple submitters, no conflicts (2 of 4 stars). 2 submissions from 2 submitters: Uncertain significance (2). Last evaluated 2025-09-10.

Conditions:
Inborn genetic diseases. Identifiers: MedGen C0950123, MeSH D030342.
Spastic paraplegia. Identifiers: MedGen C0037772, HP:0001258.

Allele frequency attached by ClinVar (database versions not stated): gnomAD exomes 0.00001; TOPMed 0.00002.
gnomAD v4.1: 22 of 1,485,946 alleles (0.0015%); highest among the groups gnomAD compares: Non-Finnish European, 0.0018%; no homozygotes.

Submissions (2):

Ambry Genetics
Classification: Uncertain significance for Inborn genetic diseases. Last evaluated: 2025-09-10. Review status: criteria provided, single submitter. Criteria: Ambry Variant Classification Scheme 2023. Collection method: clinical testing. Allele origin: germline.

Labcorp Genetics (formerly Invitae), Labcorp
Classification: Uncertain significance for Spastic paraplegia. Last evaluated: 2025-05-16. Review status: criteria provided, single submitter. Criteria: Invitae Variant Classification Sherloc (09022015). Collection method: clinical testing. Allele origin: germline.
Comment: This sequence change replaces aspartic acid, which is acidic and polar, with asparagine, which is neutral and polar, at codon 368 of the GJC2 protein (p.Asp368Asn). The frequency data for this variant in the population databases is considered unreliable, as metrics indicate poor data quality at this position in the gnomAD database. This variant has not been reported in the literature in individuals affected with GJC2-related conditions. ClinVar contains an entry for this variant (Variation ID: 527981). Invitae Evidence Modeling of protein sequence and biophysical properties (such as structural, functional, and spatial information, amino acid conservation, physicochemical variation, residue mobility, and thermodynamic stability) indicates that this missense variant is not expected to disrupt GJC2 protein function with a negative predictive value of 95%. In summary, the available evidence is currently insufficient to determine the role of this variant in disease. Therefore, it has been classified as a Variant of Uncertain Significance.